The following is an entry in ClinVar:

ClinVar aggregate classification (germline): Conflicting classifications of pathogenicity. Review status: criteria provided, conflicting classifications (1 of 4 stars). 7 submissions from 3 submitters: Uncertain significance (5); Benign (2). Last evaluated 2021-09-02.

Conditions:
Early-onset myopathy with fatal cardiomyopathy (CMYO5). Also called: Salih Myopathy; CONGENITAL MYOPATHY 5 WITH CARDIOMYOPATHY. Identifiers: Orphanet 289377, MedGen C2673677, MONDO:0012714, OMIM 611705. Disease mechanism: loss of function.
Dilated cardiomyopathy 1G (CMD1G). Identifiers: Orphanet 154, MedGen C1858763, MONDO:0011400, OMIM 604145.
Autosomal recessive limb-girdle muscular dystrophy type 2J (LGMDR10). Also called: Limb-girdle muscular dystrophy, type 2J; MUSCULAR DYSTROPHY, LIMB-GIRDLE, AUTOSOMAL RECESSIVE 10. Identifiers: Orphanet 140922, MedGen C1837342, MONDO:0012127, OMIM 608807.
Myopathy, myofibrillar, 9, with early respiratory failure (MFM9). Also called: EDSTROM MYOPATHY; MYOPATHY, PROXIMAL, WITH EARLY RESPIRATORY MUSCLE INVOLVEMENT; Hereditary myopathy with early respiratory failure; Myopathy, distal, with early respiratory failure, autosomal dominant. Identifiers: Orphanet 178464, Orphanet 34521, MedGen C1863599, MONDO:0011362, OMIM 603689.
Tibial muscular dystrophy (TMD). Also called: UDD MYOPATHY; Tibial muscular dystrophy, tardive; Udd Distal Myopathy – Tibial Muscular Dystrophy. Identifiers: Orphanet 609, MedGen C1838244, MONDO:0010870, OMIM 600334.

Allele frequency attached by ClinVar (database versions not stated): gnomAD 0.00001; gnomAD exomes 0.00003 and 0.00005; ExAC 0.00015.
gnomAD v4.1: 40 of 1,581,534 alleles (0.0025%); highest among the groups gnomAD compares: East Asian, 0.091%; no homozygotes.

Submissions (7):

Revvity Omics, Revvity
Classification: Uncertain significance. Last evaluated: 2021-09-02. Review status: criteria provided, single submitter. Criteria: ACMG Guidelines, 2015. Collection method: clinical testing. Allele origin: germline.

Illumina Laboratory Services, Illumina
Classification: Uncertain significance for Early-onset myopathy with fatal cardiomyopathy. Last evaluated: 2018-03-23. Review status: criteria provided, single submitter. Criteria: ICSL Variant Classification Criteria 13 December 2019. Collection method: clinical testing. Allele origin: germline.

Illumina Laboratory Services, Illumina
Classification: Uncertain significance for Autosomal recessive limb-girdle muscular dystrophy type 2J. Last evaluated: 2018-03-23. Review status: criteria provided, single submitter. Criteria: ICSL Variant Classification Criteria 13 December 2019. Collection method: clinical testing. Allele origin: germline.

Illumina Laboratory Services, Illumina
Classification: Uncertain significance for Dilated cardiomyopathy 1G. Last evaluated: 2018-03-23. Review status: criteria provided, single submitter. Criteria: ICSL Variant Classification Criteria 13 December 2019. Collection method: clinical testing. Allele origin: germline.

Illumina Laboratory Services, Illumina
Classification: Benign for Tibial muscular dystrophy. Last evaluated: 2018-03-20. Review status: criteria provided, single submitter. Criteria: ICSL Variant Classification Criteria 13 December 2019. Collection method: clinical testing. Allele origin: germline.
Comment: This variant was observed in the ICSL laboratory as part of a predisposition screen in an ostensibly healthy population. It had not been previously curated by ICSL or reported in the Human Gene Mutation Database (HGMD: prior to June 1st, 2018), and was therefore a candidate for classification through an automated scoring system. Utilizing variant allele frequency, disease prevalence and penetrance estimates, and inheritance mode, an automated score was calculated to assess if this variant is too frequent to cause the disease. Based on the score and internal cut-off values, a variant classified as benign is not then subjected to further curation. The score for this variant resulted in a classification of benign for this disease.

Illumina Laboratory Services, Illumina
Classification: Benign for Myopathy, myofibrillar, 9, with early respiratory failure. Last evaluated: 2018-03-20. Review status: criteria provided, single submitter. Criteria: ICSL Variant Classification Criteria 13 December 2019. Collection method: clinical testing. Allele origin: germline.
Comment: the same text as in the submission from Illumina Laboratory Services, Illumina above.

Labcorp Genetics (formerly Invitae), Labcorp
Classification: Uncertain significance for Dilated cardiomyopathy 1G; Autosomal recessive limb-girdle muscular dystrophy type 2J. Last evaluated: 2017-09-06. Review status: criteria provided, single submitter. Criteria: Invitae Variant Classification Sherloc (09022015). Collection method: clinical testing. Allele origin: germline.

NM_001267550.2(TTN):c.47740G>C (p.Val15914Leu)

Genes: TTN (titin; minus strand), TTN-AS1 (TTN antisense RNA 1; plus strand). Cytogenetic location: 2q31.2.
Variant type: single nucleotide variant.
Coding change: c.47740G>C on transcript NM_001267550.2 (MANE Select); coding-DNA position 47740, G replaced by C.
Protein change: p.Val15914Leu; replaces valine 15914 with leucine.
Molecular consequence: missense variant.
Genome position (GRCh38, 1-based): chr2:178,617,345, C>G on the plus strand (G>C on the coding strand, the complement: TTN is on the minus strand). VCF-style: chr2-178617345-C-G. GRCh37 (hg19) VCF-style: chr2-179482072-C-G.
Other names: c.42817G>C, p.Val14273Leu (NM_001256850.1); c.20545G>C, p.Val6849Leu (NM_003319.4); c.40036G>C, p.Val13346Leu (NM_133378.4); c.20920G>C, p.Val6974Leu (NM_133432.3); c.21121G>C, p.Val7041Leu (NM_133437.4); short protein forms V15914L, V13346L, V14273L, V6974L, V6849L, V7041L.
Identifiers: ClinVar variation 467190 (VCV000467190.9), dbSNP rs764059405, ClinGen allele CA1994994.